The following is an entry in ClinVar:

NM_003924.4(PHOX2B):c.802G>A (p.Gly268Ser)

Gene: PHOX2B (paired like homeobox 2B; minus strand). Cytogenetic location: 4p13.
Variant type: single nucleotide variant.
Coding change: c.802G>A on transcript NM_003924.4 (MANE Select); coding-DNA position 802, G replaced by A.
Protein change: p.Gly268Ser; replaces glycine 268 with serine.
Molecular consequence: missense variant.
Genome position (GRCh38, 1-based): chr4:41,745,950, C>T on the plus strand (G>A on the coding strand, the complement: PHOX2B is on the minus strand). VCF-style: chr4-41745950-C-T. GRCh37 (hg19) VCF-style: chr4-41747967-C-T.
Other names: short protein forms G268S.
Identifiers: ClinVar variation 1016897 (VCV001016897.12), dbSNP rs758728895, ClinGen allele CA356737113.
Genomic context (GRCh38, chr4:41,745,950, plus strand): 5'-CAAGCGAATCCGGGATGGAGGTGATGGGGCCGGGGCCGGGAGCCCAGCCTTGTCCAGGGC[C>T]CCCAGCCGCAGCCAGGCCTCCAGCTGCCGCCGCTGCCGCTGCCGCCGCCGCCGCTGCCGC-3'
Protein context (NP_003915.2, residues 258-278): AAAGGLAAAG[Gly268Ser]PGQGWAPGPG

ClinVar aggregate classification (germline): Uncertain significance. Review status: criteria provided, multiple submitters, no conflicts (2 of 4 stars). 2 submissions from 2 submitters: Uncertain significance (2). Last evaluated 2025-11-18.

Conditions:
Hereditary cancer-predisposing syndrome. Also called: Tumor predisposition; Neoplastic Syndromes, Hereditary; Hereditary neoplastic syndrome; Hereditary Cancer Syndrome. Identifiers: Orphanet 140162, MedGen C0027672, MeSH D009386, MONDO:0015356.
Haddad syndrome (OHD). Also called: Ondine-Hirschsprung disease. Identifiers: Orphanet 99803, MedGen C1859049, MONDO:0020493.

Allele frequency attached by ClinVar (database versions not stated): TOPMed below 0.00001.

Submissions (2):

Ambry Genetics
Classification: Uncertain significance for Hereditary cancer-predisposing syndrome. Last evaluated: 2025-11-18. Review status: criteria provided, single submitter. Criteria: Ambry Variant Classification Scheme 2023. Collection method: clinical testing. Allele origin: germline.
Comment: The p.G268S variant (also known as c.802G>A), located in coding exon 3 of the PHOX2B gene, results from a G to A substitution at nucleotide position 802. The glycine at codon 268 is replaced by serine, an amino acid with similar properties. This amino acid position is highly conserved in available vertebrate species. In addition, the in silico prediction for this alteration is inconclusive. Based on the available evidence, the clinical significance of this variant remains unclear.

Labcorp Genetics (formerly Invitae), Labcorp
Classification: Uncertain significance for Haddad syndrome. Last evaluated: 2022-12-24. Review status: criteria provided, single submitter. Criteria: Invitae Variant Classification Sherloc (09022015). Collection method: clinical testing. Allele origin: germline.
Comment: This sequence change replaces glycine, which is neutral and non-polar, with serine, which is neutral and polar, at codon 268 of the PHOX2B protein (p.Gly268Ser). This variant is present in population databases (no rsID available, gnomAD 0.005%). This variant has not been reported in the literature in individuals affected with PHOX2B-related conditions. ClinVar contains an entry for this variant (Variation ID: 1016897). Algorithms developed to predict the effect of missense changes on protein structure and function are either unavailable or do not agree on the potential impact of this missense change (SIFT: "Deleterious"; PolyPhen-2: "Not Available"; Align-GVGD: "Class C0"). In summary, the available evidence is currently insufficient to determine the role of this variant in disease. Therefore, it has been classified as a Variant of Uncertain Significance.